The following is an entry in ClinVar:

NM_005359.6(SMAD4):c.1221C>G (p.Val407=)

Gene: SMAD4 (SMAD family member 4; plus strand). Cytogenetic location: 18q21.2.
Variant type: single nucleotide variant.
Coding change: c.1221C>G on transcript NM_005359.6 (MANE Select); coding-DNA position 1221, C replaced by G.
Protein change: p.Val407=; no amino-acid change (valine 407 retained).
Molecular consequence: synonymous variant.
Genome position (GRCh38, 1-based): chr18:51,067,100, C>G. VCF-style: chr18-51067100-C-G. GRCh37 (hg19) VCF-style: chr18-48593470-C-G.
Other names: c.1221C>G (NM_005359.5).
Identifiers: ClinVar variation 1568223 (VCV001568223.10), dbSNP rs2144452307, ClinGen allele CA503874245.
Genomic context (GRCh38, chr18:51,067,100, plus strand): 5'-GCAGTTGGAATGTAAAGGTGAAGGTGATGTTTGGGTCAGGTGCCTTAGTGACCACGCGGT[C>G]TTTGTACAGAGTTACTACTTAGACAGAGAAGCTGGGCGTGCACCTGGAGATGCTGTTCAT-3'
Protein context (NP_005350.1, residues 397-417): VWVRCLSDHA[Val407=]FVQSYYLDRE

ClinVar aggregate classification (germline): Benign/Likely benign. Review status: criteria provided, multiple submitters, no conflicts (2 of 4 stars). 3 submissions from 3 submitters: Benign (1); Likely benign (2). Last evaluated 2025-07-22.

Conditions:
Juvenile polyposis syndrome (JPS). Identifiers: Orphanet 2929, MedGen C0345893, MONDO:0017380, OMIM 174900.
Familial thoracic aortic aneurysm and aortic dissection (TAAD). Also called: Thoracic aortic aneurysms and dissections. Identifiers: Orphanet 91387, MedGen C4707243, MONDO:0019625.
Hereditary cancer-predisposing syndrome. Also called: Neoplastic Syndromes, Hereditary; Tumor predisposition; Hereditary Cancer Syndrome; Hereditary neoplastic syndrome. Identifiers: Orphanet 140162, MedGen C0027672, MeSH D009386, MONDO:0015356.
Juvenile polyposis/hereditary hemorrhagic telangiectasia syndrome (JPHT). Also called: Juvenile Polyposis Syndrome / Hereditary Hemorrhagic Telangiectasia (JPS/HHT); JP/HHT SYNDROME; JUVENILE POLYPOSIS WITH HEREDITARY HEMORRHAGIC TELANGIECTASIA; POLYPOSIS, GENERALIZED JUVENILE, WITH PULMONARY ARTERIOVENOUS MALFORMATION; TELANGIECTASIA, HEREDITARY HEMORRHAGIC, WITH JUVENILE POLYPOSIS COLI. Identifiers: Orphanet 2929, MedGen C1832942, MONDO:0008278, OMIM 175050.

Submissions (3):

Ambry Genetics
Classification: Likely benign for Hereditary cancer-predisposing syndrome; Familial thoracic aortic aneurysm and aortic dissection. Last evaluated: 2025-07-22. Review status: criteria provided, single submitter. Criteria: Ambry Variant Classification Scheme 2023. Collection method: clinical testing. Allele origin: germline.

Myriad Genetics, Inc.
Classification: Benign for Juvenile polyposis/hereditary hemorrhagic telangiectasia syndrome. Last evaluated: 2025-03-21. Review status: criteria provided, single submitter. Criteria: Myriad Autosomal Dominant, Autosomal Recessive and X-Linked Classification Criteria (2023). Collection method: clinical testing. Allele origin: unknown.
Comment: This variant is considered benign. This variant is a silent/synonymous amino acid change and it is not expected to impact splicing.

Labcorp Genetics (formerly Invitae), Labcorp
Classification: Likely benign for Juvenile polyposis syndrome. Last evaluated: 2024-11-21. Review status: criteria provided, single submitter. Criteria: Invitae Variant Classification Sherloc (09022015). Collection method: clinical testing. Allele origin: germline.